The following is an entry in ClinVar:

NM_000875.5(IGF1R):c.402G>A (p.Arg134=)

Gene: IGF1R (insulin like growth factor 1 receptor; plus strand). Cytogenetic location: 15q26.3.
Variant type: single nucleotide variant.
Coding change: c.402G>A on transcript NM_000875.5 (MANE Select); coding-DNA position 402, G replaced by A.
Protein change: p.Arg134=; no amino-acid change (arginine 134 retained).
Molecular consequence: synonymous variant.
Genome position (GRCh38, 1-based): chr15:98,707,869, G>A. VCF-style: chr15-98707869-G-A. GRCh37 (hg19) VCF-style: chr15-99251098-G-A.
Other names: c.402G>A, p.Arg134= (NM_001291858.2).
Identifiers: ClinVar variation 714601 (VCV000714601.16), dbSNP rs35385418, ClinGen allele CA7751788.

ClinVar aggregate classification (germline): Benign. Review status: criteria provided, multiple submitters, no conflicts (2 of 4 stars). 4 submissions from 4 submitters: Benign (3). 1 of the submissions does not count toward it. Last evaluated 2026-01-31.

Conditions:
IGF1R-related disorder. Also called: IGF1R-related condition.
Growth delay due to insulin-like growth factor I resistance. Also called: Somatomedin end-organ insensitivity to; Somatomedin-c resistance to; IGF-1 resistance; IGF-I RESISTANCE; Insulin-Like Growth Factor I Resistance. Identifiers: Orphanet 73273, MedGen C1849157, MONDO:0010038, OMIM 270450.

Allele frequency attached by ClinVar (database versions not stated): gnomAD exomes 0.00063 and 0.00172; ExAC 0.00216; 1000 Genomes Project 0.00619; gnomAD 0.00633 and 0.00679; 1000 Genomes Project 30x 0.00671; TOPMed 0.00723; ESP Exome Variant Server 0.00762.
gnomAD v4.1: 1,922 of 1,614,144 alleles (0.12%); highest among the groups gnomAD compares: African/African-American, 2.3%; 20 homozygotes.

Submissions (4):

Labcorp Genetics (formerly Invitae), Labcorp
Classification: Benign. Last evaluated: 2026-01-31. Review status: criteria provided, single submitter. Criteria: Invitae Variant Classification Sherloc (09022015). Collection method: clinical testing. Allele origin: germline.

Illumina Laboratory Services, Illumina
Classification: Benign for Growth delay due to insulin-like growth factor I resistance. Last evaluated: 2018-01-13. Review status: criteria provided, single submitter. Criteria: ICSL Variant Classification Criteria 13 December 2019. Collection method: clinical testing. Allele origin: germline.
Comment: This variant was observed in the ICSL laboratory as part of a predisposition screen in an ostensibly healthy population. It had not been previously curated by ICSL or reported in the Human Gene Mutation Database (HGMD: prior to June 1st, 2018), and was therefore a candidate for classification through an automated scoring system. Utilizing variant allele frequency, disease prevalence and penetrance estimates, and inheritance mode, an automated score was calculated to assess if this variant is too frequent to cause the disease. Based on the score and internal cut-off values, a variant classified as benign is not then subjected to further curation. The score for this variant resulted in a classification of benign for this disease.

Breakthrough Genomics
Classification: Benign. Review status: criteria provided, single submitter. Criteria: ACMG Guidelines, 2015. Collection method: not provided. Allele origin: germline. Inheritance: Autosomal dominant inheritance. Affected: yes.

PreventionGenetics, part of Exact Sciences
Classification: Benign for IGF1R-related condition. Last evaluated: 2019-11-06. Review status: no assertion criteria provided. Collection method: clinical testing. Allele origin: germline. Not counted in ClinVar's aggregate classification.
Comment: This variant is classified as benign based on ACMG/AMP sequence variant interpretation guidelines (Richards et al. 2015 PMID: 25741868, with internal and published modifications).